The following is an entry in ClinVar:

NM_000321.3(RB1):c.1984C>G (p.Leu662Val)

Gene: RB1 (RB transcriptional corepressor 1; plus strand). Cytogenetic location: 13q14.2.
Variant type: single nucleotide variant.
Coding change: c.1984C>G on transcript NM_000321.3 (MANE Select); coding-DNA position 1984, C replaced by G.
Protein change: p.Leu662Val; replaces leucine 662 with valine.
Molecular consequence: missense variant.
Genome position (GRCh38, 1-based): chr13:48,459,711, C>G. VCF-style: chr13-48459711-C-G. GRCh37 (hg19) VCF-style: chr13-49033847-C-G.
Other names: c.1984C>G, p.Leu662Val (NM_001407165.1); short protein forms L662V.
Identifiers: ClinVar variation 3430847 (VCV003430847.1).

ClinVar aggregate classification (germline): Uncertain significance (1 of 4 stars; one submission).

Conditions:
Hereditary cancer-predisposing syndrome. Also called: Neoplastic Syndromes, Hereditary; Tumor predisposition; Hereditary Cancer Syndrome; Hereditary neoplastic syndrome. Identifiers: Orphanet 140162, MedGen C0027672, MeSH D009386, MONDO:0015356.

gnomAD v4.1: 2 of 1,613,900 alleles (0.00012%); highest among the groups gnomAD compares: South Asian, 0.0022%; no homozygotes.

Submission:

Ambry Genetics
Classification: Uncertain significance for Hereditary cancer-predisposing syndrome. Last evaluated: 2024-09-18. Review status: criteria provided, single submitter. Criteria: Ambry Variant Classification Scheme 2023. Collection method: clinical testing. Allele origin: germline.
Comment: The p.L662V variant (also known as c.1984C>G), located in coding exon 20 of the RB1 gene, results from a C to G substitution at nucleotide position 1984. The leucine at codon 662 is replaced by valine, an amino acid with highly similar properties. This amino acid position is conserved. In addition, this alteration is predicted to be deleterious by in silico analysis. Based on the available evidence, the clinical significance of this variant remains unclear.